The following is an entry in ClinVar:

NM_007294.4(BRCA1):c.2794G>C (p.Val932Leu)

Gene: BRCA1 (BRCA1 DNA repair associated; minus strand). Cytogenetic location: 17q21.31.
Variant type: single nucleotide variant.
Coding change: c.2794G>C on transcript NM_007294.4 (MANE Select); coding-DNA position 2794, G replaced by C.
Protein change: p.Val932Leu; replaces valine 932 with leucine.
Molecular consequence: missense variant. On other transcripts: intron variant (137).
Genome position (GRCh38, 1-based): chr17:43,092,737, C>G on the plus strand (G>C on the coding strand, the complement: BRCA1 is on the minus strand). VCF-style: chr17-43092737-C-G. GRCh37 (hg19) VCF-style: chr17-41244754-C-G.
Other names: c.2581G>C, p.Val861Leu (NM_001407571.1, NM_001407853.1, NM_001407894.1 and 9 more transcripts); c.2794G>C, p.Val932Leu (NM_001407581.1, NM_001407582.1, NM_001407583.1 and 30 more transcripts); c.2791G>C, p.Val931Leu (NM_001407587.1, NM_001407590.1, NM_001407591.1 and 22 more transcripts); c.461-1705G>C (NM_001408507.1, NM_001408506.1); c.545-1705G>C (NM_001408495.1); c.662-1705G>C (NM_001408448.1, NM_001408445.1, NM_001408432.1 and 6 more transcripts); c.668-1705G>C (NM_001408421.1, NM_001408431.1, NM_001408424.1); c.785-1705G>C (NM_001407991.1, NM_001408407.1, NM_001408402.1 and 13 more transcripts); and 41 more; short protein forms V862L, V885L, V891L, V804L, V820L, V861L, V890L, V906L.
Identifiers: ClinVar variation 3634662 (VCV003634662.2).

ClinVar aggregate classification (germline): Uncertain significance (1 of 4 stars; one submission).

Conditions:
Hereditary breast ovarian cancer syndrome. Also called: Hereditary breast and ovarian cancer syndrome; Hereditary breast and ovarian cancer syndrome (HBOC); BRCA1- and BRCA2-Associated Hereditary Breast and Ovarian Cancer; Hereditary breast and ovarian cancer; Breast and ovarian cancer; Hereditary breast and/or ovarian cancer syndrome. Identifiers: Orphanet 145, MedGen C0677776, MeSH D061325, MONDO:0003582. Disease mechanism: loss of function.

Submission:

Labcorp Genetics (formerly Invitae), Labcorp
Classification: Uncertain significance for Hereditary breast ovarian cancer syndrome. Last evaluated: 2024-07-11. Review status: criteria provided, single submitter. Criteria: Invitae Variant Classification Sherloc (09022015). Collection method: clinical testing. Allele origin: germline.
Comment: This sequence change replaces valine, which is neutral and non-polar, with leucine, which is neutral and non-polar, at codon 932 of the BRCA1 protein (p.Val932Leu). This variant is not present in population databases (gnomAD no frequency). This variant has not been reported in the literature in individuals affected with BRCA1-related conditions. Advanced modeling of protein sequence and biophysical properties (such as structural, functional, and spatial information, amino acid conservation, physicochemical variation, residue mobility, and thermodynamic stability) performed at Invitae indicates that this missense variant is not expected to disrupt BRCA1 protein function with a negative predictive value of 95%. In summary, the available evidence is currently insufficient to determine the role of this variant in disease. Therefore, it has been classified as a Variant of Uncertain Significance.